The following is an entry in ClinVar:

ClinVar aggregate classification (germline): Uncertain significance. Review status: criteria provided, multiple submitters, no conflicts (2 of 4 stars). 2 submissions from 2 submitters: Uncertain significance (2). Last evaluated 2026-02-20.

Conditions:
Long QT syndrome (LQTS). Identifiers: MedGen C0023976, MeSH D008133, MONDO:0002442. Disease mechanism: loss of function. Inheritance: Various modes of inheritance.

Allele frequency attached by ClinVar (database versions not stated): gnomAD exomes below 0.00001.
gnomAD v4.1: 2 of 1,613,998 alleles (0.00012%); highest among the groups gnomAD compares: Admixed American, 0.0033%; no homozygotes.

Submissions (2):

Women's Health and Genetics/Laboratory Corporation of America, LabCorp
Classification: Uncertain significance. Last evaluated: 2026-02-20. Review status: criteria provided, single submitter. Criteria: LabCorp Variant Classification Summary - May 2015. Collection method: clinical testing. Allele origin: germline.

Labcorp Genetics (formerly Invitae), Labcorp
Classification: Uncertain significance for Long QT syndrome. Last evaluated: 2022-11-14. Review status: criteria provided, single submitter. Criteria: Invitae Variant Classification Sherloc (09022015). Collection method: clinical testing. Allele origin: germline.
Comment: Algorithms developed to predict the effect of missense changes on protein structure and function output the following: SIFT: "Deleterious"; PolyPhen-2: "Benign"; Align-GVGD: "Class C0". The arginine amino acid residue is found in multiple mammalian species, which suggests that this missense change does not adversely affect protein function. This variant has not been reported in the literature in individuals affected with ANK2-related conditions. The frequency data for this variant in the population databases is considered unreliable, as metrics indicate poor data quality at this position in the gnomAD database. This sequence change replaces lysine, which is basic and polar, with arginine, which is basic and polar, at codon 1995 of the ANK2 protein (p.Lys1995Arg). In summary, the available evidence is currently insufficient to determine the role of this variant in disease. Therefore, it has been classified as a Variant of Uncertain Significance.

NM_001148.6(ANK2):c.5984A>G (p.Lys1995Arg)

Genes: ANK2 (ankyrin 2; plus strand), LOC126807136 (MED14-independent group 3 enhancer GRCh37_chr4:114274931-114276130; plus strand). Cytogenetic location: 4q26.
Variant type: single nucleotide variant.
Coding change: c.5984A>G on transcript NM_001148.6 (MANE Select); coding-DNA position 5984, A replaced by G.
Protein change: p.Lys1995Arg; replaces lysine 1995 with arginine.
Molecular consequence: missense variant. On other transcripts: intron variant (68).
Genome position (GRCh38, 1-based): chr4:113,354,602, A>G. VCF-style: chr4-113354602-A-G. GRCh37 (hg19) VCF-style: chr4-114275758-A-G.
Other names: c.5750A>G, p.Lys1917Arg (NM_001386142.1); c.2384A>G, p.Lys795Arg (NM_001386166.1); c.6125A>G, p.Lys2042Arg (NM_001386174.1); c.6101A>G, p.Lys2034Arg (NM_001386175.1); c.4411+4353A>G (NM_001386186.2, NM_001386148.2); c.4213+4353A>G (NM_001354269.3); c.4291+4353A>G (NM_001386187.2); c.4252+4353A>G (NM_001386147.1); and 35 more; short protein forms K1917R, K2034R, K1995R, K2042R, K795R.
Identifiers: ClinVar variation 2997545 (VCV002997545.4), dbSNP rs1316032951, ClinGen allele CA357922002.
Genomic context (GRCh38, chr4:113,354,602, plus strand): 5'-TATCCCCCACTTCAAAAACAGAGAGGATTGAGGAAACCATGTCTGTTCGGGAGCTGATGA[A>G]GGCTTTCCAGTCAGGTCAGGACCCTTCTAAACATAAAACTGGACTCTTTGAGCACAAATC-3'
Protein context (NP_001139.3, residues 1985-2005): EETMSVRELM[Lys1995Arg]AFQSGQDPSK